The following is an entry in ClinVar:

NM_014874.4(MFN2):c.-301G>A

Gene: MFN2 (mitofusin 2; plus strand). Cytogenetic location: 1p36.22.
Variant type: single nucleotide variant.
Coding change: c.-301G>A on transcript NM_014874.4 (MANE Select); 301 bases upstream of the start codon, G replaced by A.
Genome position (GRCh38, 1-based): chr1:11,980,333, G>A. VCF-style: chr1-11980333-G-A. GRCh37 (hg19) VCF-style: chr1-12040390-G-A.
Identifiers: ClinVar variation 4532257 (VCV004532257.1).
Genomic context (GRCh38, chr1:11,980,333, plus strand): 5'-CTCGAAGCGCCGAGTCGCGGGGCAGCAGAGGCGTAAGGAGTAGGCGGGGCGAGCCGGCTG[G>A]GCTCAGGGTCCACCAGCTCACCCGGGTCGAGGGGCAATCTGAGGCGACTGGTGACGCGCT-3'

ClinVar aggregate classification (germline): Uncertain significance (1 of 4 stars; one submission).

Conditions:
Charcot-Marie-Tooth disease type 2A2. Also called: CHARCOT-MARIE-TOOTH DISEASE, AXONAL, TYPE 2A2; CHARCOT-MARIE-TOOTH DISEASE, NEURONAL, TYPE 2A2; HEREDITARY MOTOR AND SENSORY NEUROPATHY IIA2; HMSN IIA2; Charcot-Marie-Tooth Neuropathy Type 2A2; CHARCOT-MARIE-TOOTH DISEASE, AXONAL, AUTOSOMAL DOMINANT, TYPE 2A2A. Identifiers: Orphanet 99947, MedGen C4721887, MONDO:0012231, OMIM 609260.

Submission:

Neurogenetics, Cyprus Institute of Neurology and Genetics
Classification: Uncertain significance for Charcot-Marie-Tooth disease type 2A2. Review status: criteria provided, single submitter. Criteria: ACMG Guidelines, 2015. Collection method: clinical testing. Allele origin: germline. Inheritance: Autosomal dominant inheritance. Affected: yes. Observed: 1 variant allele, 1 heterozygote.
Comment: MFN2 c.-301G>A (NM_014874.4) sequence change affects the gene promoter, where transcription starts. Allele frequency is extremely low in all databases recommended PM2. In summary, the currently available evidence indicates that the variant is of an uncertain significance.